The following is an entry in ClinVar:

NM_020247.5(COQ8A):c.892G>A (p.Glu298Lys)

Gene: COQ8A (coenzyme Q8A; plus strand). Cytogenetic location: 1q42.13.
Variant type: single nucleotide variant.
Coding change: c.892G>A on transcript NM_020247.5 (MANE Select); coding-DNA position 892, G replaced by A.
Protein change: p.Glu298Lys; replaces glutamic acid 298 with lysine.
Molecular consequence: missense variant.
Genome position (GRCh38, 1-based): chr1:226,982,716, G>A. VCF-style: chr1-226982716-G-A. GRCh37 (hg19) VCF-style: chr1-227170417-G-A.
Other names: p.E298K:GAG>AAG; short protein forms E298K.
Identifiers: ClinVar variation 214042 (VCV000214042.7), dbSNP rs756432144, ClinGen allele CA323944.

ClinVar aggregate classification (germline): Uncertain significance. Review status: criteria provided, multiple submitters, no conflicts (2 of 4 stars). 3 submissions from 3 submitters: Uncertain significance (3). Last evaluated 2024-04-29.

Allele frequency attached by ClinVar (database versions not stated): ExAC 0.00001; TOPMed 0.00003; gnomAD 0.00006.
gnomAD v4.1: 16 of 1,613,534 alleles (0.00099%); highest among the groups gnomAD compares: African/African-American, 0.004%; no homozygotes.

Submissions (3):

Labcorp Genetics (formerly Invitae), Labcorp
Classification: Uncertain significance. Last evaluated: 2024-04-29. Review status: criteria provided, single submitter. Criteria: Invitae Variant Classification Sherloc (09022015). Collection method: clinical testing. Allele origin: germline.
Comment: This sequence change replaces glutamic acid, which is acidic and polar, with lysine, which is basic and polar, at codon 298 of the COQ8A protein (p.Glu298Lys). This variant is present in population databases (rs756432144, gnomAD 0.008%). This variant has not been reported in the literature in individuals affected with COQ8A-related conditions. ClinVar contains an entry for this variant (Variation ID: 214042). Advanced modeling of protein sequence and biophysical properties (such as structural, functional, and spatial information, amino acid conservation, physicochemical variation, residue mobility, and thermodynamic stability) has been performed at Invitae for this missense variant, however the output from this modeling did not meet the statistical confidence thresholds required to predict the impact of this variant on COQ8A protein function. In summary, the available evidence is currently insufficient to determine the role of this variant in disease. Therefore, it has been classified as a Variant of Uncertain Significance.

Athena Diagnostics
Classification: Uncertain significance. Last evaluated: 2016-08-23. Review status: criteria provided, single submitter. Criteria: Athena Diagnostics Criteria. Collection method: clinical testing. Allele origin: germline.

GeneDx
Classification: Uncertain significance. Last evaluated: 2016-08-19. Review status: criteria provided, single submitter. Criteria: GeneDx Variant Classification (06012015). Collection method: clinical testing. Allele origin: germline. Affected: yes.
Comment: p.Glu298Lys (GAG>AAG): c.892 G>A in exon 7 of the ADCK3 gene (NM_020247.4). The E298K missense change has not been published as a mutation, nor has it been reported as a benign polymorphism to our knowledge. The amino acid substitution is non-conservative, in that a negatively charged Glutamic acid residue is replaced by a positively charged Lysine residue. In addition, E289K alters a conserved position in the ADCK3 protein and other nearby missense mutations (G272V, R299W) have been reported in association with cerebellar ataxia. However, in-silico models are not consistent in their prediction as to whether E298K is damaging to the ADCK3 protein. Therefore, based on the currently available information, it is unclear whether E298K is a disease-causing mutation or a rare benign variant. The variant is found in MITONUC-MITOP panel(s).